The following is an entry in ClinVar:

ClinVar aggregate classification (germline): Uncertain significance. Review status: criteria provided, multiple submitters, no conflicts (2 of 4 stars). 2 submissions from 2 submitters: Uncertain significance (2). Last evaluated 2024-03-13.

Conditions:
Spastic paraplegia. Identifiers: MedGen C0037772, HP:0001258.

Allele frequency attached by ClinVar (database versions not stated): gnomAD exomes below 0.00001; TOPMed below 0.00001; gnomAD 0.00001.
gnomAD v4.1: 3 of 1,614,002 alleles (0.00019%); highest among the groups gnomAD compares: Non-Finnish European, 0.00025%; no homozygotes.

Submissions (2):

Women's Health and Genetics/Laboratory Corporation of America, LabCorp
Classification: Uncertain significance. Last evaluated: 2024-03-13. Review status: criteria provided, single submitter. Criteria: LabCorp Variant Classification Summary - May 2015. Collection method: clinical testing. Allele origin: germline.
Comment: Variant summary: SACS c.1421G>A (p.Arg474His) results in a non-conservative amino acid change in the encoded protein sequence. Four of five in-silico tools predict a damaging effect of the variant on protein function. The variant was absent in 251066 control chromosomes (gnomAD). The available data on variant occurrences in the general population are insufficient to allow any conclusion about variant significance. c.1421G>A has been reported in the literature in an individual affected with features of Autosomal Recessive Spastic Ataxia Of Charlevoix-Saguenay (Benkirane_2021). These data do not allow any conclusion about variant significance. To our knowledge, no experimental evidence demonstrating an impact on protein function has been reported. The following publication has been ascertained in the context of this evaluation (PMID: 34234304). ClinVar contains an entry for this variant (Variation ID: 1042616). Based on the evidence outlined above, the variant was classified as uncertain significance.

Labcorp Genetics (formerly Invitae), Labcorp
Classification: Uncertain significance for Spastic paraplegia. Last evaluated: 2021-09-01. Review status: criteria provided, single submitter. Criteria: Invitae Variant Classification Sherloc (09022015). Collection method: clinical testing. Allele origin: germline.
Comment: This sequence change replaces arginine with histidine at codon 474 of the SACS protein (p.Arg474His). The arginine residue is highly conserved and there is a small physicochemical difference between arginine and histidine. This variant is not present in population databases (ExAC no frequency). This variant has not been reported in the literature in individuals affected with SACS-related conditions. Algorithms developed to predict the effect of missense changes on protein structure and function are either unavailable or do not agree on the potential impact of this missense change (SIFT: "Deleterious"; PolyPhen-2: "Probably Damaging"; Align-GVGD: "Class C0"). In summary, the available evidence is currently insufficient to determine the role of this variant in disease. Therefore, it has been classified as a Variant of Uncertain Significance.

Literature cited by the submitters: PubMed 34234304 (cited by Women's Health and Genetics/Laboratory Corporation of America, LabCorp).

NM_014363.6(SACS):c.1421G>A (p.Arg474His)

Gene: SACS (sacsin molecular chaperone; minus strand). Cytogenetic location: 13q12.12.
Variant type: single nucleotide variant.
Coding change: c.1421G>A on transcript NM_014363.6 (MANE Select); coding-DNA position 1421, G replaced by A.
Protein change: p.Arg474His; replaces arginine 474 with histidine.
Molecular consequence: missense variant.
Genome position (GRCh38, 1-based): chr13:23,355,191, C>T on the plus strand (G>A on the coding strand, the complement: SACS is on the minus strand). VCF-style: chr13-23355191-C-T. GRCh37 (hg19) VCF-style: chr13-23929330-C-T.
Other names: c.980G>A, p.Arg327His (NM_001278055.2); short protein forms R327H, R474H.
Identifiers: ClinVar variation 1042616 (VCV001042616.7), dbSNP rs1271593930, ClinGen allele CA387548524.